The following is an entry in ClinVar:

NM_001244008.2(KIF1A):c.766G>A (p.Asp256Asn)

Gene: KIF1A (kinesin family member 1A; minus strand). Cytogenetic location: 2q37.3.
Variant type: single nucleotide variant.
Coding change: c.766G>A on transcript NM_001244008.2 (MANE Select); coding-DNA position 766, G replaced by A.
Protein change: p.Asp256Asn; replaces aspartic acid 256 with asparagine.
Molecular consequence: missense variant.
Genome position (GRCh38, 1-based): chr2:240,783,771, C>T on the plus strand (G>A on the coding strand, the complement: KIF1A is on the minus strand). VCF-style: chr2-240783771-C-T. GRCh37 (hg19) VCF-style: chr2-241723188-C-T.
Other names: c.766G>A, p.Asp256Asn (NM_001320705.2, NM_001330289.2, NM_001330290.2 and 21 more transcripts); short protein forms D256N.
Identifiers: ClinVar variation 2083568 (VCV002083568.4), dbSNP rs2054372742, ClinGen allele CA351303089.

ClinVar aggregate classification (germline): Uncertain significance (1 of 4 stars; one submission).

Conditions:
Neuropathy, hereditary sensory, type 2C. Also called: Hereditary sensory and autonomic neuropathy type IIC; KIF1A-Related HSAN2 (HSAN2C). Identifiers: Orphanet 970, MedGen C3280168, MONDO:0013634, OMIM 614213.
Intellectual disability, autosomal dominant 9 (NESCAVS). Also called: NESCAV SYNDROME; KIF1A-Related Neurodevelopmental Disorder. Identifiers: Orphanet 662367, MedGen C5393830, MONDO:0013656, OMIM 614255.
Hereditary spastic paraplegia 30. Identifiers: Orphanet 101010, MedGen C5235139, MONDO:0012476.

Allele frequency attached by ClinVar (database versions not stated): TOPMed 0.00001.

Submission:

Labcorp Genetics (formerly Invitae), Labcorp
Classification: Uncertain significance for Hereditary spastic paraplegia 30; Neuropathy, hereditary sensory, type 2C; Intellectual disability, autosomal dominant 9. Last evaluated: 2022-01-15. Review status: criteria provided, single submitter. Criteria: Invitae Variant Classification Sherloc (09022015). Collection method: clinical testing. Allele origin: germline.
Comment: Advanced modeling of protein sequence and biophysical properties (such as structural, functional, and spatial information, amino acid conservation, physicochemical variation, residue mobility, and thermodynamic stability) performed at Invitae indicates that this missense variant is expected to disrupt KIF1A protein function. In summary, the available evidence is currently insufficient to determine the role of this variant in disease. Therefore, it has been classified as a Variant of Uncertain Significance. This variant has not been reported in the literature in individuals affected with KIF1A-related conditions. This variant is not present in population databases (gnomAD no frequency). This sequence change replaces aspartic acid, which is acidic and polar, with asparagine, which is neutral and polar, at codon 256 of the KIF1A protein (p.Asp256Asn).